The following is an entry in ClinVar:

NM_001048174.2(MUTYH):c.793C>T (p.Gln265Ter)

Gene: MUTYH (mutY DNA glycosylase; minus strand). Cytogenetic location: 1p34.1.
Variant type: single nucleotide variant.
Coding change: c.793C>T on transcript NM_001048174.2 (MANE Select); coding-DNA position 793, C replaced by T.
Protein change: p.Gln265Ter; replaces glutamine 265 with a stop codon.
Molecular consequence: nonsense. On other transcripts: non-coding transcript variant (2).
Genome position (GRCh38, 1-based): chr1:45,332,222, G>A on the plus strand (C>T on the coding strand, the complement: MUTYH is on the minus strand). VCF-style: chr1-45332222-G-A. GRCh37 (hg19) VCF-style: chr1-45797894-G-A.
Other names: c.793C>T, p.Gln265Ter (NM_001048171.2, NM_001048173.2, NM_001293195.2); c.796C>T, p.Gln266Ter (NM_001048172.2); c.877C>T, p.Gln293Ter (NM_001128425.2); c.838C>T, p.Gln280Ter (NM_001293190.2); c.826C>T, p.Gln276Ter (NM_001293191.2); c.517C>T, p.Gln173Ter (NM_001293192.2, NM_001293196.2); c.448C>T, p.Gln150Ter (NM_001350650.2, NM_001350651.2); c.868C>T, p.Gln290Ter (NM_012222.3); short protein forms Q276*, Q150*, Q290*, Q293*, Q173*, Q265*, Q266*, Q280*.
Identifiers: ClinVar variation 822727 (VCV000822727.12), dbSNP rs1553127659, ClinGen allele CA340134488.

ClinVar aggregate classification (germline): Pathogenic. Review status: criteria provided, multiple submitters, no conflicts (2 of 4 stars). 2 submissions from 2 submitters: Pathogenic (2). Last evaluated 2025-11-15.

Conditions:
Hereditary cancer-predisposing syndrome. Also called: Tumor predisposition; Hereditary Cancer Syndrome; Hereditary neoplastic syndrome; Neoplastic Syndromes, Hereditary. Identifiers: Orphanet 140162, MedGen C0027672, MeSH D009386, MONDO:0015356.
Familial adenomatous polyposis 2. Also called: FAP type 2; MUTYH Polyposis; COLORECTAL ADENOMATOUS POLYPOSIS, AUTOSOMAL RECESSIVE; ADENOMAS, MULTIPLE COLORECTAL, AUTOSOMAL RECESSIVE; MUTYH-associated polyposis; MUTYH-related attenuated familial adenomatous polyposis. Identifiers: Orphanet 220460, Orphanet 247798, MedGen C3272841, MONDO:0012041, OMIM 608456.

Submissions (2):

Labcorp Genetics (formerly Invitae), Labcorp
Classification: Pathogenic for Familial adenomatous polyposis 2. Last evaluated: 2025-11-15. Review status: criteria provided, single submitter. Criteria: Invitae Variant Classification Sherloc (09022015). Collection method: clinical testing. Allele origin: germline.
Comment: This sequence change creates a premature translational stop signal (p.Gln293*) in the MUTYH gene. It is expected to result in an absent or disrupted protein product. Loss-of-function variants in MUTYH are known to be pathogenic (PMID: 18534194, 20663686). This variant is not present in population databases (gnomAD no frequency). This premature translational stop signal has been observed in individual(s) with MUTYH related conditions (PMID: 29406563). ClinVar contains an entry for this variant (Variation ID: 822727). RNA analysis performed to evaluate the impact of this premature translational stop signal on mRNA splicing indicates it does not significantly alter splicing (internal data). For these reasons, this variant has been classified as Pathogenic.

Ambry Genetics
Classification: Pathogenic for Hereditary cancer-predisposing syndrome. Last evaluated: 2018-08-20. Review status: criteria provided, single submitter. Criteria: Ambry Variant Classification Scheme 2023. Collection method: clinical testing. Allele origin: germline.
Comment: The p.Q293* pathogenic mutation (also known as c.877C>T), located in coding exon 10 of the MUTYH gene, results from a C to T substitution at nucleotide position 877. This changes the amino acid from a glutamine to a stop codon within coding exon 10. This alteration is expected to result in loss of function by premature protein truncation or nonsense-mediated mRNA decay. As such, this alteration is interpreted as a disease-causing mutation.

Literature cited by the submitters: PubMed 18534194 (cited by Labcorp Genetics (formerly Invitae), Labcorp); PubMed 20663686 (cited by Labcorp Genetics (formerly Invitae), Labcorp); PubMed 29406563 (cited by Labcorp Genetics (formerly Invitae), Labcorp).